The following is an entry in ClinVar:

NM_000163.5(GHR):c.440T>C (p.Val147Ala)

Gene: GHR (growth hormone receptor; plus strand). Cytogenetic location: 5p12.
Variant type: single nucleotide variant.
Coding change: c.440T>C on transcript NM_000163.5 (MANE Select); coding-DNA position 440, T replaced by C.
Protein change: p.Val147Ala; replaces valine 147 with alanine.
Molecular consequence: missense variant.
Genome position (GRCh38, 1-based): chr5:42,699,824, T>C. VCF-style: chr5-42699824-T-C. GRCh37 (hg19) VCF-style: chr5-42699926-T-C.
Other names: c.461T>C, p.Val154Ala (NM_001242399.2); c.440T>C, p.Val147Ala (NM_001242400.2, NM_001242401.4, NM_001242402.2 and 5 more transcripts); c.374T>C, p.Val125Ala (NM_001242460.2); short protein forms V125A, V147A, V154A.
Identifiers: ClinVar variation 2847517 (VCV002847517.3), dbSNP rs1368073441, ClinGen allele CA359695383.

ClinVar aggregate classification (germline): Uncertain significance (1 of 4 stars; one submission).

Allele frequency attached by ClinVar (database versions not stated): gnomAD exomes below 0.00001.
gnomAD v4.1: 1 of 1,598,798 alleles (0.000063%); highest among the groups gnomAD compares: Admixed American, 0.0017%; no homozygotes.

Submission:

Labcorp Genetics (formerly Invitae), Labcorp
Classification: Uncertain significance. Last evaluated: 2023-06-30. Review status: criteria provided, single submitter. Criteria: Invitae Variant Classification Sherloc (09022015). Collection method: clinical testing. Allele origin: germline.
Comment: This sequence change replaces valine, which is neutral and non-polar, with alanine, which is neutral and non-polar, at codon 147 of the GHR protein (p.Val147Ala). This variant is not present in population databases (gnomAD no frequency). This variant has not been reported in the literature in individuals affected with GHR-related conditions. An algorithm developed to predict the effect of missense changes on protein structure and function (PolyPhen-2) suggests that this variant is likely to be disruptive. In summary, the available evidence is currently insufficient to determine the role of this variant in disease. Therefore, it has been classified as a Variant of Uncertain Significance.